The following is an entry in ClinVar:

ClinVar aggregate classification (germline): Likely benign (1 of 4 stars; one submission).

Submission:

CeGaT Center for Human Genetics Tuebingen
Classification: Likely benign. Last evaluated: 2025-12-01. Review status: criteria provided, single submitter. Criteria: CeGaT Center For Human Genetics Tuebingen Variant Classification Criteria Version 2. Collection method: clinical testing. Allele origin: germline. Affected: yes. Observed: 1 variant allele.
Comment: NBEA: PM2:Supporting, BP4, BP7

NM_001385012.1(NBEA):c.2769T>C (p.Leu923=)

Gene: NBEA (neurobeachin; plus strand). Cytogenetic location: 13q13.3.
Variant type: single nucleotide variant.
Coding change: c.2769T>C on transcript NM_001385012.1 (MANE Select); coding-DNA position 2769, T replaced by C.
Protein change: p.Leu923=; no amino-acid change (leucine 923 retained).
Molecular consequence: synonymous variant.
Genome position (GRCh38, 1-based): chr13:35,157,195, T>C. VCF-style: chr13-35157195-T-C. GRCh37 (hg19) VCF-style: chr13-35731332-T-C.
Other names: c.2769T>C, p.Leu923= (NM_001379245.1, NM_015678.5).
Identifiers: ClinVar variation 4681850 (VCV004681850.5).